The following is an entry in ClinVar:

ClinVar aggregate classification (germline): Likely benign (0 of 4 stars; one submission).

Conditions:
MYO1A-related disorder. Also called: MYO1A-related condition.

Allele frequency attached by ClinVar (database versions not stated): gnomAD 0.00003; gnomAD exomes 0.00004; TOPMed 0.00004; ExAC 0.00005.
gnomAD v4.1: 60 of 1,614,054 alleles (0.0037%); highest among the groups gnomAD compares: Non-Finnish European, 0.0048%; no homozygotes.

Submission:

PreventionGenetics, part of Exact Sciences
Classification: Likely benign for MYO1A-related condition. Last evaluated: 2019-03-05. Review status: no assertion criteria provided. Collection method: clinical testing. Allele origin: germline.
Comment: This variant is classified as likely benign based on ACMG/AMP sequence variant interpretation guidelines (Richards et al. 2015 PMID: 25741868, with internal and published modifications).

NM_005379.4(MYO1A):c.33G>A (p.Glu11=)

Gene: MYO1A (myosin IA; minus strand). Cytogenetic location: 12q13.3.
Variant type: single nucleotide variant.
Coding change: c.33G>A on transcript NM_005379.4 (MANE Select); coding-DNA position 33, G replaced by A.
Protein change: p.Glu11=; no amino-acid change (glutamic acid 11 retained).
Molecular consequence: synonymous variant.
Genome position (GRCh38, 1-based): chr12:57,048,291, C>T on the plus strand (G>A on the coding strand, the complement: MYO1A is on the minus strand). VCF-style: chr12-57048291-C-T. GRCh37 (hg19) VCF-style: chr12-57442075-C-T.
Other names: c.33G>A, p.Glu11= (NM_001256041.2).
Identifiers: ClinVar variation 3058217 (VCV003058217.2), dbSNP rs769679969, ClinGen allele CA6640635.